The following is an entry in ClinVar:

NM_000199.5(SGSH):c.508C>G (p.Pro170Ala)

Gene: SGSH (N-sulfoglucosamine sulfohydrolase; minus strand). Cytogenetic location: 17q25.3.
Variant type: single nucleotide variant.
Coding change: c.508C>G on transcript NM_000199.5 (MANE Select); coding-DNA position 508, C replaced by G.
Protein change: p.Pro170Ala; replaces proline 170 with alanine.
Molecular consequence: missense variant. On other transcripts: non-coding transcript variant (1).
Genome position (GRCh38, 1-based): chr17:80,214,327, G>C on the plus strand (C>G on the coding strand, the complement: SGSH is on the minus strand). VCF-style: chr17-80214327-G-C. GRCh37 (hg19) VCF-style: chr17-78188126-G-C.
Other names: c.508C>G, p.Pro170Ala (NM_001352921.3, NM_001352922.2); c.508C>G (NM_000199.3); short protein forms P170A.
Identifiers: ClinVar variation 2201016 (VCV002201016.6), dbSNP rs527760024, ClinGen allele CA8817964.

ClinVar aggregate classification (germline): Uncertain significance. Review status: criteria provided, multiple submitters, no conflicts (2 of 4 stars). 4 submissions from 4 submitters: Uncertain significance (4). Last evaluated 2023-07-19.

Conditions:
Inborn genetic diseases. Identifiers: MedGen C0950123, MeSH D030342.
Mucopolysaccharidosis, MPS-III-A (MPS3A). Also called: MUCOPOLYSACCHARIDOSIS, TYPE IIIA, ATTENUATED; Mucopolysaccharidosis type IIIA (Sanfilippo A); mucopolysaccharidosis type 3A; MPS IIIA (Sanfilippo Syndrome Type A); HEPARAN SULFATE SULFATASE DEFICIENCY; SANFILIPPO SYNDROME A. Identifiers: Orphanet 581, Orphanet 79269, MedGen C0086647, MONDO:0009655, OMIM 252900.

Allele frequency attached by ClinVar (database versions not stated): ExAC 0.00002; 1000 Genomes Project 30x 0.00016; 1000 Genomes Project 0.00020.
gnomAD v4.1: 14 of 1,612,414 alleles (0.00087%); highest among the groups gnomAD compares: East Asian, 0.027%; no homozygotes.

Submissions (4):

Ambry Genetics
Classification: Uncertain significance for Inborn genetic diseases. Last evaluated: 2023-07-19. Review status: criteria provided, single submitter. Criteria: Ambry Variant Classification Scheme 2023. Collection method: clinical testing. Allele origin: germline.

Blueprint Genetics
Classification: Uncertain significance. Last evaluated: 2023-06-08. Review status: criteria provided, single submitter. Criteria: ACMG Guidelines, 2015. Collection method: clinical testing. Allele origin: germline.

Labcorp Genetics (formerly Invitae), Labcorp
Classification: Uncertain significance for Mucopolysaccharidosis, MPS-III-A. Last evaluated: 2022-04-18. Review status: criteria provided, single submitter. Criteria: Invitae Variant Classification Sherloc (09022015). Collection method: clinical testing. Allele origin: germline.
Comment: This sequence change replaces proline, which is neutral and non-polar, with alanine, which is neutral and non-polar, at codon 170 of the SGSH protein (p.Pro170Ala). This variant is present in population databases (rs527760024, gnomAD 0.05%). This variant has not been reported in the literature in individuals affected with SGSH-related conditions. Algorithms developed to predict the effect of missense changes on protein structure and function are either unavailable or do not agree on the potential impact of this missense change (SIFT: "Deleterious"; PolyPhen-2: "Probably Damaging"; Align-GVGD: "Class C0"). In summary, the available evidence is currently insufficient to determine the role of this variant in disease. Therefore, it has been classified as a Variant of Uncertain Significance.

Juno Genomics, Hangzhou Juno Genomics, Inc
Classification: Uncertain significance for Mucopolysaccharidosis, MPS-III-A. Review status: criteria provided, single submitter. Criteria: ACMG Guidelines, 2015. Collection method: clinical testing. Allele origin: germline.
Comment: Absent from controls (or at extremely low frequency if recessive) in Genome Aggregation Database.;Multiple lines of computational evidence support a deleterious effect on the gene or gene product.